The following is an entry in ClinVar:

ClinVar aggregate classification (germline): Likely benign. Review status: criteria provided, single submitter (1 of 4 stars). 2 submissions from 2 submitters: Likely benign (1). 1 of the submissions does not count toward it. Last evaluated 2023-06-01.

Conditions:
SPAST-related disorder. Also called: SPAST-related condition.

Allele frequency attached by ClinVar (database versions not stated): gnomAD 0.00001.

Submissions (2):

CeGaT Center for Human Genetics Tuebingen
Classification: Likely benign. Last evaluated: 2023-06-01. Review status: criteria provided, single submitter. Criteria: CeGaT Center For Human Genetics Tuebingen Variant Classification Criteria Version 2. Collection method: clinical testing. Allele origin: germline. Affected: yes. Observed: 1 variant allele.
Comment: SPAST: BP4, BP7

PreventionGenetics, part of Exact Sciences
Classification: Likely benign for SPAST-related condition. Last evaluated: 2019-05-20. Review status: no assertion criteria provided. Collection method: clinical testing. Allele origin: germline. Not counted in ClinVar's aggregate classification.
Comment: This variant is classified as likely benign based on ACMG/AMP sequence variant interpretation guidelines (Richards et al. 2015 PMID: 25741868, with internal and published modifications).

NM_014946.4(SPAST):c.318G>A (p.Ala106=)

Gene: SPAST (spastin; plus strand). Cytogenetic location: 2p22.3.
Variant type: single nucleotide variant.
Coding change: c.318G>A on transcript NM_014946.4 (MANE Select); coding-DNA position 318, G replaced by A.
Protein change: p.Ala106=; no amino-acid change (alanine 106 retained).
Molecular consequence: synonymous variant.
Genome position (GRCh38, 1-based): chr2:32,064,149, G>A. VCF-style: chr2-32064149-G-A. GRCh37 (hg19) VCF-style: chr2-32289218-G-A.
Other names: c.318G>A, p.Ala106= (NM_001363823.2, NM_001363875.2, NM_001377959.1 and 1 more transcripts).
Identifiers: ClinVar variation 2571068 (VCV002571068.28), dbSNP rs1009249930, ClinGen allele CA425626958.
Genomic context (GRCh38, chr2:32,064,149, plus strand): 5'-CATGGCAGCCAAGAGGAGCTCCGGGGCCGCGCCAGCACCTGCCTCGGCCTCGGCCCCGGC[G>A]CCGGTGCCGGGCGGCGAGGCCGAGCGCGTCCGAGTCTTCCACAAACAGGCCTTCGAGTAC-3'
Protein context (NP_055761.2, residues 96-116): APAPASASAP[Ala106=]PVPGGEAERV